The following is an entry in ClinVar:

ClinVar aggregate classification (germline): Likely benign. Review status: criteria provided, multiple submitters, no conflicts (2 of 4 stars). 4 submissions from 4 submitters: Likely benign (3). 1 of the submissions does not count toward it. Last evaluated 2025-11-02.

Conditions:
RAI1-related disorder. Also called: RAI1-related condition.
Inborn genetic diseases. Identifiers: MedGen C0950123, MeSH D030342.

Allele frequency attached by ClinVar (database versions not stated): ExAC 0.00003; gnomAD exomes 0.00003; TOPMed 0.00006; gnomAD 0.00007.

Submissions (4):

Labcorp Genetics (formerly Invitae), Labcorp
Classification: Likely benign. Last evaluated: 2025-11-02. Review status: criteria provided, single submitter. Criteria: Invitae Variant Classification Sherloc (09022015). Collection method: clinical testing. Allele origin: germline.

Ambry Genetics
Classification: Likely benign for Inborn genetic diseases. Last evaluated: 2025-07-15. Review status: criteria provided, single submitter. Criteria: Ambry Variant Classification Scheme 2023. Collection method: clinical testing. Allele origin: germline.

Genetic Services Laboratory, University of Chicago
Classification: Likely benign. Last evaluated: 2014-10-02. Review status: criteria provided, single submitter. Criteria: ACMG Guidelines, 2015. Collection method: clinical testing. Allele origin: germline.

PreventionGenetics, part of Exact Sciences
Classification: Likely benign for RAI1-related condition. Last evaluated: 2024-07-02. Review status: no assertion criteria provided. Collection method: clinical testing. Allele origin: germline. Not counted in ClinVar's aggregate classification.
Comment: This variant is classified as likely benign based on ACMG/AMP sequence variant interpretation guidelines (Richards et al. 2015 PMID: 25741868, with internal and published modifications).

NM_030665.4(RAI1):c.3158C>T (p.Pro1053Leu)

Gene: RAI1 (retinoic acid induced 1; plus strand). Cytogenetic location: 17p11.2.
Variant type: single nucleotide variant.
Coding change: c.3158C>T on transcript NM_030665.4 (MANE Select); coding-DNA position 3158, C replaced by T.
Protein change: p.Pro1053Leu; replaces proline 1053 with leucine.
Molecular consequence: missense variant.
Genome position (GRCh38, 1-based): chr17:17,796,106, C>T. VCF-style: chr17-17796106-C-T. GRCh37 (hg19) VCF-style: chr17-17699420-C-T.
Other names: short protein forms P1053L.
Identifiers: ClinVar variation 212008 (VCV000212008.23), dbSNP rs748386061, ClinGen allele CA207704.